The following is an entry in ClinVar:

NC_000004.11:g.(?_123868378)_(123900551_?)dup

Gene: AFG2A (AFG2 AAA ATPase homolog A; plus strand). Cytogenetic location: 4q28.1.
Variant type: Duplication.
Identifiers: ClinVar variation 1000676 (VCV001000676.1).

ClinVar aggregate classification (germline): Uncertain significance (1 of 4 stars; one submission).

Conditions:
Microcephaly-intellectual disability-sensorineural hearing loss-epilepsy-abnormal muscle tone syndrome (NEDHSB). Also called: NEURODEVELOPMENTAL DISORDER WITH HEARING LOSS, SEIZURES, AND BRAIN ABNORMALITIES. Identifiers: Orphanet 457351, MedGen C4225276, MONDO:0014698, OMIM 616577.

Submission:

Labcorp Genetics (formerly Invitae), Labcorp
Classification: Uncertain significance for Microcephaly-intellectual disability-sensorineural hearing loss-epilepsy-abnormal muscle tone syndrome. Last evaluated: 2020-10-24. Review status: criteria provided, single submitter. Criteria: Invitae Variant Classification Sherloc (09022015). Collection method: clinical testing. Allele origin: germline.
Comment: This variant results in a copy number gain of the genomic region encompassing exons 9-10 of the SPATA5 gene. While the exact position of this variant cannot be determined from this data, sub-genic copy number gains are generally in tandem (PMID: 25640679). This variant would be expected to be in-frame, preserving the integrity of the reading frame. This variant has not been reported in the literature in individuals with SPATA5-related conditions. In summary, the available evidence is currently insufficient to determine the role of this variant in disease. Therefore, it has been classified as a Variant of Uncertain Significance.

Literature cited by the submitters: PubMed 25640679.